The following is an entry in ClinVar:

ClinVar aggregate classification (germline): Uncertain significance (1 of 4 stars; one submission).

Allele frequency attached by ClinVar (database versions not stated): gnomAD exomes below 0.00001.
gnomAD v4.1: 1 of 1,614,102 alleles (0.000062%); highest among the groups gnomAD compares: East Asian, 0.0022%; no homozygotes.

Submission:

Labcorp Genetics (formerly Invitae), Labcorp
Classification: Uncertain significance. Last evaluated: 2023-02-16. Review status: criteria provided, single submitter. Criteria: Invitae Variant Classification Sherloc (09022015). Collection method: clinical testing. Allele origin: germline.
Comment: In summary, the available evidence is currently insufficient to determine the role of this variant in disease. Therefore, it has been classified as a Variant of Uncertain Significance. Experimental studies and prediction algorithms are not available or were not evaluated, and the functional significance of this variant is currently unknown. This variant has not been reported in the literature in individuals affected with CYFIP2-related conditions. This variant is present in population databases (no rsID available, gnomAD 0.006%). This sequence change replaces methionine, which is neutral and non-polar, with valine, which is neutral and non-polar, at codon 464 of the CYFIP2 protein (p.Met464Val).

NM_001037333.3(CYFIP2):c.1390A>G (p.Met464Val)

Gene: CYFIP2 (cytoplasmic FMR1 interacting protein 2; plus strand). Cytogenetic location: 5q33.3.
Variant type: single nucleotide variant.
Coding change: c.1390A>G on transcript NM_001037333.3 (MANE Select); coding-DNA position 1390, A replaced by G.
Protein change: p.Met464Val; replaces methionine 464 with valine.
Molecular consequence: missense variant.
Genome position (GRCh38, 1-based): chr5:157,319,795, A>G. VCF-style: chr5-157319795-A-G. GRCh37 (hg19) VCF-style: chr5-156746803-A-G.
Other names: c.1312A>G, p.Met438Val (NM_001291721.2); c.1390A>G, p.Met464Val (NM_001291722.2, NM_014376.4); short protein forms M438V, M464V.
Identifiers: ClinVar variation 2876624 (VCV002876624.3), dbSNP rs1447791798, ClinGen allele CA361968852.